The following is an entry in ClinVar:

NM_000059.4(BRCA2):c.7215C>A (p.Val2405=)

Gene: BRCA2 (BRCA2 DNA repair associated; plus strand). Cytogenetic location: 13q13.1.
Variant type: single nucleotide variant.
Coding change: c.7215C>A on transcript NM_000059.4 (MANE Select); coding-DNA position 7215, C replaced by A.
Protein change: p.Val2405=; no amino-acid change (valine 2405 retained).
Molecular consequence: synonymous variant.
Genome position (GRCh38, 1-based): chr13:32,355,068, C>A. VCF-style: chr13-32355068-C-A. GRCh37 (hg19) VCF-style: chr13-32929205-C-A.
Identifiers: ClinVar variation 383195 (VCV000383195.2), dbSNP rs1057521551, ClinGen allele CA16606699.
Genomic context (GRCh38, chr13:32,355,068, plus strand): 5'-TTCTGCTACAAGAAATGAAAAAATGAGACACTTGATTACTACAGGCAGACCAACCAAAGT[C>A]TTTGTTCCACCTTTTAAAACTAAATCACATTTTCACAGAGTTGAACAGTGTGTTAGGAAT-3'
Protein context (NP_000050.3, residues 2395-2415): HLITTGRPTK[Val2405=]FVPPFKTKSH

ClinVar aggregate classification (germline): Conflicting classifications of pathogenicity. Review status: criteria provided, conflicting classifications (1 of 4 stars). 2 submissions from 2 submitters: Uncertain significance (1); Likely benign (1). Last evaluated 2025-04-01.

Conditions:
Hereditary cancer-predisposing syndrome. Also called: Hereditary Cancer Syndrome; Hereditary neoplastic syndrome; Neoplastic Syndromes, Hereditary; Tumor predisposition. Identifiers: Orphanet 140162, MedGen C0027672, MeSH D009386, MONDO:0015356.

Submissions (2):

Ambry Genetics
Classification: Uncertain significance for Hereditary cancer-predisposing syndrome. Last evaluated: 2025-04-01. Review status: criteria provided, single submitter. Criteria: Ambry Variant Classification Scheme 2023. Collection method: clinical testing. Allele origin: germline.
Comment: The c.7215C>A variant (also known as p.V2405V), located in coding exon 13 of the BRCA2 gene, results from a C to A substitution at nucleotide position 7215. This nucleotide substitution does not change the amino acid at codon 2405. This nucleotide position is not well conserved in available vertebrate species. In silico splice site analysis for this alteration is inconclusive. Based on the available evidence, the clinical significance of this variant remains unclear.

GeneDx
Classification: Likely benign. Last evaluated: 2017-02-16. Review status: criteria provided, single submitter. Criteria: GeneDx Variant Classification (06012015). Collection method: clinical testing. Allele origin: germline. Affected: yes.
Comment: This variant is considered likely benign or benign based on one or more of the following criteria: it is a conservative change, it occurs at a poorly conserved position in the protein, it is predicted to be benign by multiple in silico algorithms, and/or has population frequency not consistent with disease.